The following is an entry in ClinVar:

ClinVar aggregate classification (germline): Uncertain significance (1 of 4 stars; one submission).

Conditions:
Cardiovascular phenotype. Identifiers: MedGen CN230736.

Submission:

Ambry Genetics
Classification: Uncertain significance for Cardiovascular phenotype. Last evaluated: 2019-11-27. Review status: criteria provided, single submitter. Criteria: Ambry Variant Classification Scheme 2023. Collection method: clinical testing. Allele origin: germline.
Comment: The p.P2571L variant (also known as c.7712C>T), located in coding exon 10 of the ALMS1 gene, results from a C to T substitution at nucleotide position 7712. The proline at codon 2571 is replaced by leucine, an amino acid with similar properties. This amino acid position is highly conserved in available vertebrate species. In addition, this alteration is predicted to be tolerated by in silico analysis. Since supporting evidence is limited at this time, the clinical significance of this alteration remains unclear.

NM_001378454.1(ALMS1):c.7709C>T (p.Pro2570Leu)

Gene: ALMS1 (ALMS1 centrosome and basal body associated protein; plus strand). Cytogenetic location: 2p13.1.
Variant type: single nucleotide variant.
Coding change: c.7709C>T on transcript NM_001378454.1 (MANE Select); coding-DNA position 7709, C replaced by T.
Protein change: p.Pro2570Leu; replaces proline 2570 with leucine.
Molecular consequence: missense variant.
Genome position (GRCh38, 1-based): chr2:73,489,668, C>T. VCF-style: chr2-73489668-C-T. GRCh37 (hg19) VCF-style: chr2-73716795-C-T.
Other names: c.7712C>T, p.Pro2571Leu (NM_015120.4); short protein forms P2570L, P2571L.
Identifiers: ClinVar variation 1760275 (VCV001760275.2), dbSNP rs2466212178, ClinGen allele CA347263899.